The following is an entry in ClinVar:

NM_002439.5(MSH3):c.2044G>C (p.Val682Leu)

Gene: MSH3 (mutS homolog 3; plus strand). Cytogenetic location: 5q14.1.
Variant type: single nucleotide variant.
Coding change: c.2044G>C on transcript NM_002439.5 (MANE Select); coding-DNA position 2044, G replaced by C.
Protein change: p.Val682Leu; replaces valine 682 with leucine.
Molecular consequence: missense variant.
Genome position (GRCh38, 1-based): chr5:80,768,080, G>C. VCF-style: chr5-80768080-G-C. GRCh37 (hg19) VCF-style: chr5-80063899-G-C.
Other names: short protein forms V682L.
Identifiers: ClinVar variation 660399 (VCV000660399.25), dbSNP rs145657887, ClinGen allele CA3328117.

ClinVar aggregate classification (germline): Uncertain significance. Review status: criteria provided, multiple submitters, no conflicts (2 of 4 stars). 9 submissions from 9 submitters: Uncertain significance (9). Last evaluated 2026-09-25.

Conditions:
Familial adenomatous polyposis 4 (FAP4). Also called: MSH3-related attenuated familial adenomatous polyposis. Identifiers: Orphanet 480536, MedGen C4310719, MONDO:0044300, OMIM 617100.
Hereditary cancer-predisposing syndrome. Also called: Tumor predisposition; Hereditary neoplastic syndrome; Hereditary Cancer Syndrome; Neoplastic Syndromes, Hereditary. Identifiers: Orphanet 140162, MedGen C0027672, MeSH D009386, MONDO:0015356.
Endometrial carcinoma. Also called: Endometrial carcinoma, somatic. Identifiers: MedGen C0476089, MONDO:0002447, OMIM 608089, HP:0012114.
MSH3-related disorder. Also called: MSH3-related condition.

Allele frequency attached by ClinVar (database versions not stated): gnomAD 0.00011 and 0.00012; TOPMed 0.00012; ESP Exome Variant Server 0.00015; ExAC 0.00018.
gnomAD v4.1: 448 of 1,613,586 alleles (0.028%); highest among the groups gnomAD compares: Non-Finnish European, 0.037%; no homozygotes.

Submissions (9):

PreventionGenetics, part of Exact Sciences
Classification: Uncertain significance for MSH3-related condition. Last evaluated: 2026-09-25. Review status: criteria provided, single submitter. Criteria: ACMG Guidelines, 2015. Collection method: clinical testing. Allele origin: germline.
Comment: The MSH3 c.2044G>C variant is predicted to result in the amino acid substitution p.Val682Leu. This variant was reported with uncertain significance in an individual with colorectal cancer and an individual with prostate cancer (Supplemental Tables 1 and 2, Raskin et al. 2017. PubMed ID: 29212164; Supp. Data 1, Mateo et al. 2020. PubMed ID: 31874108). This variant is reported in 0.035% of alleles in individuals of European (Non-Finnish) descent in gnomAD and is interpreted as uncertain in ClinVar (Variation ID: 660399 ). At this time, the clinical significance of this variant is uncertain due to the absence of conclusive functional and genetic evidence.

Center for Genomic Medicine, Rigshospitalet, Copenhagen University Hospital
Classification: Uncertain significance. Last evaluated: 2025-12-29. Review status: criteria provided, single submitter. Criteria: ACMG Guidelines, 2015. Collection method: clinical testing. Allele origin: germline.

Quest Diagnostics Nichols Institute San Juan Capistrano
Classification: Uncertain significance. Last evaluated: 2025-03-30. Review status: criteria provided, single submitter. Criteria: Quest Diagnostics criteria. Collection method: clinical testing. Allele origin: unknown.
Comment: The MSH3 c.2044G>C (p.Val682Leu) variant has been reported in the published literature in individuals with colorectal cancer (PMID: 29212164 (2017)) and melanoma and rectal cancer (PMID: 29641532 (2018)). This variant has also been identified in a prostate cancer tumor specimen (PMID: 31874108 (2020)). The frequency of this variant in the general population (Genome Aggregation Database) is uninformative in the assessment of its pathogenicity. Analysis of this variant using bioinformatics tools for the prediction of the effect of amino acid changes on protein structure and function yielded predictions that this variant is benign. Based on the available information, we are unable to determine the clinical significance of this variant.

Department of Pathology and Laboratory Medicine, Sinai Health System
Classification: Uncertain significance for Endometrial carcinoma; Familial adenomatous polyposis 4. Last evaluated: 2025-02-04. Review status: criteria provided, single submitter. Criteria: ACMG Guidelines, 2015. Collection method: clinical testing. Allele origin: germline.

Labcorp Genetics (formerly Invitae), Labcorp
Classification: Uncertain significance. Last evaluated: 2025-01-17. Review status: criteria provided, single submitter. Criteria: Invitae Variant Classification Sherloc (09022015). Collection method: clinical testing. Allele origin: germline.
Comment: This sequence change replaces valine, which is neutral and non-polar, with leucine, which is neutral and non-polar, at codon 682 of the MSH3 protein (p.Val682Leu). This variant is present in population databases (rs145657887, gnomAD 0.03%). This missense change has been observed in individual(s) with colon cancer (PMID: 29212164). ClinVar contains an entry for this variant (Variation ID: 660399). An algorithm developed to predict the effect of missense changes on protein structure and function (PolyPhen-2) suggests that this variant¬†is likely to be tolerated. In summary, the available evidence is currently insufficient to determine the role of this variant in disease. Therefore, it has been classified as a Variant of Uncertain Significance.

Ambry Genetics
Classification: Uncertain significance for Hereditary cancer-predisposing syndrome. Last evaluated: 2024-12-11. Review status: criteria provided, single submitter. Criteria: Ambry Variant Classification Scheme 2023. Collection method: clinical testing. Allele origin: germline.
Comment: The p.V682L variant (also known as c.2044G>C), located in coding exon 14 of the MSH3 gene, results from a G to C substitution at nucleotide position 2044. The valine at codon 682 is replaced by leucine, an amino acid with highly similar properties. This amino acid position is well conserved in available vertebrate species. In addition, the in silico prediction for this alteration is inconclusive. Based on the available evidence, the clinical significance of this variant remains unclear.

Baylor Genetics
Classification: Uncertain significance for Endometrial carcinoma. Last evaluated: 2024-03-21. Review status: criteria provided, single submitter. Criteria: ACMG Guidelines, 2015. Collection method: clinical testing. Allele origin: unknown.

GeneDx
Classification: Uncertain significance. Last evaluated: 2022-05-31. Review status: criteria provided, single submitter. Criteria: GeneDx Variant Classification Process June 2021. Collection method: clinical testing. Allele origin: germline. Affected: yes.
Comment: In silico analysis supports that this missense variant does not alter protein structure/function; Observed in an individual with colorectal cancer in the published literature (Raskin 2017); This variant is associated with the following publications: (PMID: 29212164)

Sema4
Classification: Uncertain significance for Hereditary cancer-predisposing syndrome. Last evaluated: 2022-03-16. Review status: criteria provided, single submitter. Criteria: Sema4 Curation Guidelines. Collection method: curation. Allele origin: germline.
Comment: The MSH3 c.2044G>C (p.V682L) variant has been reported in heterozygosity in at least one individual with colorectal cancer (PMID: 29212164). This variant was observed in 45/128944 chromosomes in the European (non-Finnish) population, with no homozygotes, according to the Genome Aggregation Database (PMID: 32461654) and has been reported in ClinVar (Variation ID: 660399). Functional studies have not been performed, and in silico predictions of the variant's effect on protein function are inconclusive. Based on the current evidence available, this variant is interpreted as a variant of uncertain significance.

Literature cited by the submitters: PubMed 29641532 (cited by 3 submitters); PubMed 31874108 (cited by Quest Diagnostics Nichols Institute San Juan Capistrano); PubMed 29212164 (cited by 5 submitters).